The following is an entry in ClinVar:

ClinVar aggregate classification (germline): Uncertain significance (1 of 4 stars; one submission).

Conditions:
MIR17HG-related disorder. Also called: MIR17HG-related condition.

gnomAD v4.1: 1 of 154,804 alleles (0.00065%); highest among the groups gnomAD compares: African/African-American, 0.0024%; no homozygotes.

Submission:

PreventionGenetics, part of Exact Sciences
Classification: Uncertain significance for MIR17HG-related condition. Last evaluated: 2024-10-03. Review status: criteria provided, single submitter. Criteria: ACMG Guidelines, 2015. Collection method: clinical testing. Allele origin: germline.
Comment: The MIR17HG n.284+1673C>G variant is predicted to interfere with splicing. To our knowledge, this variant has not been reported in the literature or in a large population database, indicating this variant is rare. Due to the limited evidence, at this time the clinical significance of this variant is uncertain.

NR_197388.1(MIR17HG):n.2090C>G

Gene: MIR17HG (miR-17-92a-1 cluster host gene; plus strand). Cytogenetic location: 13q31.3.
Variant type: single nucleotide variant.
Molecular consequence: non-coding transcript variant (on NR_197388.1).
Genome position: GRCh38 VCF-style: chr13-91351899-C-G. GRCh37 (hg19) VCF-style: chr13-92004153-C-G.
Identifiers: ClinVar variation 4988006 (VCV004988006.1).